The following is an entry in ClinVar:

ClinVar aggregate classification (germline): Uncertain significance (1 of 4 stars; one submission).

Conditions:
Renal tubular acidosis with progressive nerve deafness. Also called: Distal Renal Tubular Acidosis with Progressive Sensorineural Deafness; RENAL TUBULAR ACIDOSIS, AUTOSOMAL RECESSIVE, WITH PROGRESSIVE NERVE DEAFNESS; RTA WITH PROGRESSIVE NERVE DEAFNESS; renal tubular acidosis, distal, 2, with progressive sensorineural hearing loss. Identifiers: MedGen C0403554, MONDO:0009968, OMIM 267300.

Submission:

Myriad Genetics, Inc.
Classification: Uncertain significance for Renal tubular acidosis with progressive nerve deafness. Last evaluated: 2026-09-03. Review status: criteria provided, single submitter. Criteria: Myriad Autosomal Dominant, Autosomal Recessive and X-Linked Classification Criteria (2023). Collection method: clinical testing. Allele origin: unknown.
Comment: NM_001692.3(ATP6V1B1):c.1370_1372delTCA(I457del) is an in-frame deletion classified as a variant of uncertain significance in the context of distal renal tubular acidosis with deafness, ATP6V1B1-related. I457del has not been observed in cases with relevant disease. Relevant functional assessments of this variant are not available in the literature. I457del has not been observed in referenced population frequency databases. In summary, there is insufficient evidence to classify NM_001692.3(ATP6V1B1):c.1370_1372delTCA(I457del) as pathogenic or benign. Please note: this variant was assessed in the context of healthy population screening.

NM_001692.4(ATP6V1B1):c.1367TCA[1] (p.Ile457del)

Gene: ATP6V1B1 (ATPase H+ transporting V1 subunit B1; plus strand). Cytogenetic location: 2p13.3.
Variant type: Microsatellite.
Coding change: c.1367TCA[1] on transcript NM_001692.4 (MANE Select); one copy of the 3-base unit TCA starting at c.1367; the reference has two copies in a row; one copy, 3 bases deleted.
Protein change: p.Ile457del; deletes isoleucine 457.
Molecular consequence: inframe deletion.
Genome position (GRCh38, 1-based): chr2:70,964,857-70,964,859, TCA deleted; deleting any 3 consecutive bases within chr2:70,964,854-70,964,859 gives the same sequence; the position shown is the placement nearest the transcript's 3' end. VCF-style (leftmost placement, unchanged base first): chr2-70964853-TTCA-T. GRCh37 (hg19) VCF-style: chr2-71191983-TTCA-T.
Other names: short protein forms I457del.
Identifiers: ClinVar variation 5003624 (VCV005003624.1).